The following is an entry in ClinVar:

ClinVar aggregate classification (germline): Uncertain significance (1 of 4 stars; one submission).

Submission:

Ambry Genetics
Classification: Uncertain significance. Last evaluated: 2023-07-27. Review status: criteria provided, single submitter. Criteria: Ambry Variant Classification Scheme 2023. Collection method: clinical testing. Allele origin: germline.
Comment: The p.T26R variant (also known as c.77C>G), located in coding exon 1 of the TMPO gene, results from a C to G substitution at nucleotide position 77. The threonine at codon 26 is replaced by arginine, an amino acid with similar properties. This amino acid position is conserved. In addition, this alteration is predicted to be tolerated by in silico analysis. Since supporting evidence is limited at this time, the clinical significance of this alteration remains unclear.

NM_001032283.3(TMPO):c.77C>G (p.Thr26Arg)

Genes: TMPO (thymopoietin; plus strand), TMPO-AS1 (TMPO antisense RNA 1; minus strand). Cytogenetic location: 12q23.1.
Variant type: single nucleotide variant.
Coding change: c.77C>G on transcript NM_001032283.3 (MANE Select); coding-DNA position 77, C replaced by G.
Protein change: p.Thr26Arg; replaces threonine 26 with arginine.
Molecular consequence: missense variant.
Genome position (GRCh38, 1-based): chr12:98,515,944, C>G. VCF-style: chr12-98515944-C-G. GRCh37 (hg19) VCF-style: chr12-98909722-C-G.
Other names: c.77C>G, p.Thr26Arg (NM_001032284.3, NM_001307975.2, NM_003276.2); short protein forms T26R.
Identifiers: ClinVar variation 2620712 (VCV002620712.2), dbSNP rs397516494, ClinGen allele CA386239391.